The following is an entry in ClinVar:

NM_145239.3(PRRT2):c.183A>G (p.Ser61=)

Genes: MVP-DT (MVP divergent transcript; minus strand), PRRT2 (proline rich transmembrane protein 2; plus strand). Cytogenetic location: 16p11.2.
Variant type: single nucleotide variant.
Coding change: c.183A>G on transcript NM_145239.3 (MANE Select); coding-DNA position 183, A replaced by G.
Protein change: p.Ser61=; no amino-acid change (serine 61 retained).
Molecular consequence: synonymous variant.
Genome position (GRCh38, 1-based): chr16:29,813,237, A>G. VCF-style: chr16-29813237-A-G. GRCh37 (hg19) VCF-style: chr16-29824558-A-G.
Other names: c.183A>G, p.Ser61= (NM_001256442.2, NM_001256443.2).
Identifiers: ClinVar variation 536489 (VCV000536489.19), dbSNP rs775396962, ClinGen allele CA7994488.

ClinVar aggregate classification (germline): Likely benign. Review status: criteria provided, multiple submitters, no conflicts (2 of 4 stars). 3 submissions from 3 submitters: Likely benign (3). Last evaluated 2025-12-01.

Conditions:
Episodic kinesigenic dyskinesia (EKD). Also called: Paroxysmal kinesigenic dyskinesia. Identifiers: Orphanet 98809, MedGen C1868682, MONDO:0044202.

Allele frequency attached by ClinVar (database versions not stated): ExAC 0.00002; gnomAD exomes 0.00002 and 0.00003; TOPMed 0.00002; gnomAD 0.00003.
gnomAD v4.1: 52 of 1,613,784 alleles (0.0032%); highest among the groups gnomAD compares: Non-Finnish European, 0.0041%; no homozygotes.

Submissions (3):

CeGaT Center for Human Genetics Tuebingen
Classification: Likely benign. Last evaluated: 2025-12-01. Review status: criteria provided, single submitter. Criteria: CeGaT Center For Human Genetics Tuebingen Variant Classification Criteria Version 2. Collection method: clinical testing. Allele origin: germline. Affected: yes. Observed: 1 variant allele.
Comment: PRRT2: BP4, BP7

Labcorp Genetics (formerly Invitae), Labcorp
Classification: Likely benign for Episodic kinesigenic dyskinesia. Last evaluated: 2025-02-19. Review status: criteria provided, single submitter. Criteria: Invitae Variant Classification Sherloc (09022015). Collection method: clinical testing. Allele origin: germline.

GeneDx
Classification: Likely benign. Last evaluated: 2019-04-08. Review status: criteria provided, single submitter. Criteria: GeneDx Variant Classification Process June 2021. Collection method: clinical testing. Allele origin: germline. Affected: yes.